The following is an entry in ClinVar:

ClinVar aggregate classification (germline): Uncertain significance. Review status: criteria provided, multiple submitters, no conflicts (2 of 4 stars). 3 submissions from 3 submitters: Uncertain significance (3). Last evaluated 2026-07-07.

Conditions:
Hereditary cancer-predisposing syndrome. Also called: Hereditary Cancer Syndrome; Hereditary neoplastic syndrome; Neoplastic Syndromes, Hereditary; Tumor predisposition. Identifiers: Orphanet 140162, MedGen C0027672, MeSH D009386, MONDO:0015356.

Submissions (3):

Ambry Genetics
Classification: Uncertain significance for Hereditary cancer-predisposing syndrome. Last evaluated: 2026-07-07. Review status: criteria provided, single submitter. Criteria: Ambry Variant Classification Scheme 2023. Collection method: clinical testing. Allele origin: germline.
Comment: The p.T700A variant (also known as c.2098A>G), located in coding exon 15 of the MSH3 gene, results from an A to G substitution at nucleotide position 2098. The threonine at codon 700 is replaced by alanine, an amino acid with similar properties. This amino acid position is conserved. In addition, the in silico prediction for this alteration is inconclusive. Based on the available evidence, the clinical significance of this variant remains unclear.

Dasa
Classification: Uncertain significance. Last evaluated: 2025-08-25. Review status: criteria provided, single submitter. Criteria: DASA Assertion Criteria. Collection method: clinical testing. Allele origin: germline.
Comment: NM_002439.5(MSH3):c.2098A>G (p.Thr700Ala) is a missense variant that results in the substitution of threonine with alanine. This variant is absent from population databases. The currently available literature and clinical evidence are not sufficient to establish a definitive association between this variant and the reported condition. Therefore, this variant is classified as a variant of uncertain significance.

Labcorp Genetics (formerly Invitae), Labcorp
Classification: Uncertain significance. Last evaluated: 2024-04-24. Review status: criteria provided, single submitter. Criteria: Invitae Variant Classification Sherloc (09022015). Collection method: clinical testing. Allele origin: germline.
Comment: This sequence change replaces threonine, which is neutral and polar, with alanine, which is neutral and non-polar, at codon 700 of the MSH3 protein (p.Thr700Ala). This variant is not present in population databases (gnomAD no frequency). This variant has not been reported in the literature in individuals affected with MSH3-related conditions. An algorithm developed to predict the effect of missense changes on protein structure and function (PolyPhen-2) suggests that this variant is likely to be disruptive. In summary, the available evidence is currently insufficient to determine the role of this variant in disease. Therefore, it has been classified as a Variant of Uncertain Significance.

NM_002439.5(MSH3):c.2098A>G (p.Thr700Ala)

Gene: MSH3 (mutS homolog 3; plus strand). Cytogenetic location: 5q14.1.
Variant type: single nucleotide variant.
Coding change: c.2098A>G on transcript NM_002439.5 (MANE Select); coding-DNA position 2098, A replaced by G.
Protein change: p.Thr700Ala; replaces threonine 700 with alanine.
Molecular consequence: missense variant.
Genome position (GRCh38, 1-based): chr5:80,768,848, A>G. VCF-style: chr5-80768848-A-G. GRCh37 (hg19) VCF-style: chr5-80064667-A-G.
Other names: c.2098A>G (NM_002439.3); short protein forms T700A.
Identifiers: ClinVar variation 2748001 (VCV002748001.6), dbSNP rs2546774173, ClinGen allele CA360279208.
Genomic context (GRCh38, chr5:80,768,848, plus strand): 5'-GTAATTAATAAACTTCGAATATGTATTTGCATGTTTTGATTTTTTAGAGTTGGGGATAAA[A>G]CTGAATTATTTAAAGACCTTTCTGACTTCCCTTTAATAAAAAAGAGGAAGGATGAAATTC-3'
Protein context (NP_002430.3, residues 690-710): NEQAAKVGDK[Thr700Ala]ELFKDLSDFP